The following is an entry in ClinVar:

NM_002160.4(TNC):c.2072G>A (p.Arg691His)

Gene: TNC (tenascin C; minus strand). Cytogenetic location: 9q33.1.
Variant type: single nucleotide variant.
Coding change: c.2072G>A on transcript NM_002160.4 (MANE Select); coding-DNA position 2072, G replaced by A.
Protein change: p.Arg691His; replaces arginine 691 with histidine.
Molecular consequence: missense variant.
Genome position (GRCh38, 1-based): chr9:115,084,268, C>T on the plus strand (G>A on the coding strand, the complement: TNC is on the minus strand). VCF-style: chr9-115084268-C-T. GRCh37 (hg19) VCF-style: chr9-117846547-C-T.
Other names: c.2072G>A, p.Arg691His (NM_001410991.1, NM_001439065.1, NM_001439066.1 and 35 more transcripts); short protein forms R691H.
Identifiers: ClinVar variation 4983341 (VCV004983341.1).
Genomic context (GRCh38, chr9:115,084,268, plus strand): 5'-CACGTGGCCACCCTGGCGCTGACAGGAATGCTCTTCTTGTTCTCCAGGATGGCAAATACA[C>T]GGATAAAGTACTCCACACCAGGCTCCAGCTCCTGGATGATGGTGGACGTCTGGTCCCCAG-3'
Protein context (NP_002151.2, residues 681-701): ELEPGVEYFI[Arg691His]VFAILENKKS

ClinVar aggregate classification (germline): Likely benign (1 of 4 stars; one submission).

Conditions:
TNC-related disorder. Also called: TNC-related condition.

gnomAD v4.1: 94 of 1,614,032 alleles (0.0058%); highest among the groups gnomAD compares: South Asian, 0.053%; 2 homozygotes.

Submission:

PreventionGenetics, part of Exact Sciences
Classification: Likely benign for TNC-related condition. Last evaluated: 2026-06-18. Review status: criteria provided, single submitter. Criteria: ACMG Guidelines, 2015. Collection method: clinical testing. Allele origin: germline.
Comment: This variant is classified as likely benign based on ACMG/AMP sequence variant interpretation guidelines (Richards et al. 2015 PMID: 25741868, with internal and published modifications).